The following is an entry in ClinVar:

ClinVar aggregate classification (germline): Uncertain significance (1 of 4 stars; one submission).

gnomAD v4.1: 1 of 1,593,172 alleles (0.000063%); highest among the groups gnomAD compares: Non-Finnish European, 0.000085%; no homozygotes.

Submission:

CeGaT Center for Human Genetics Tuebingen
Classification: Uncertain significance. Last evaluated: 2025-11-01. Review status: criteria provided, single submitter. Criteria: CeGaT Center For Human Genetics Tuebingen Variant Classification Criteria Version 2. Collection method: clinical testing. Allele origin: germline. Affected: yes. Observed: 2 variant alleles.
Comment: CREBBP: PP2, BP4

NM_004380.3(CREBBP):c.6040C>G (p.Pro2014Ala)

Gene: CREBBP (CREB binding lysine acetyltransferase; minus strand). Cytogenetic location: 16p13.3.
Variant type: single nucleotide variant.
Coding change: c.6040C>G on transcript NM_004380.3 (MANE Select); coding-DNA position 6040, C replaced by G.
Protein change: p.Pro2014Ala; replaces proline 2014 with alanine.
Molecular consequence: missense variant.
Genome position (GRCh38, 1-based): chr16:3,729,007, G>C on the plus strand (C>G on the coding strand, the complement: CREBBP is on the minus strand). VCF-style: chr16-3729007-G-C. GRCh37 (hg19) VCF-style: chr16-3779008-G-C.
Other names: c.5926C>G, p.Pro1976Ala (NM_001079846.1); short protein forms P1976A, P2014A.
Identifiers: ClinVar variation 4534391 (VCV004534391.6).